The following is an entry in ClinVar:

ClinVar aggregate classification (germline): Pathogenic (1 of 4 stars; one submission).

Conditions:
Polycystic kidney disease, adult type (PKD1). Also called: Polycystic Kidney, Autosomal Dominant; POLYCYSTIC KIDNEY DISEASE, ADULT, TYPE I; Polycystic Kidney Disease 1, Autosomal Dominant; Polycystic kidney disease 1; Polycystic kidney disease 1, severe; POLYCYSTIC KIDNEY DISEASE 1 WITH OR WITHOUT POLYCYSTIC LIVER DISEASE. Identifiers: MedGen C3149841, MONDO:0008263, OMIM 173900.

Submission:

MVZ Medizinische Genetik Mainz
Classification: Pathogenic for Polycystic kidney disease, adult type. Last evaluated: 2026-02-13. Review status: criteria provided, single submitter. Criteria: UK Practice Guidelines For Variant Classification V4 01 2020. Collection method: clinical testing. Allele origin: germline. Inheritance: Autosomal dominant inheritance. Affected: yes. Observed: 1 variant allele.
Comment: ACMG Criteria: PVS1,PM2_SUP,PP4

NM_001009944.3(PKD1):c.2966del (p.Ala989fs)

Gene: PKD1 (polycystin 1, transient receptor potential channel interacting; minus strand). Cytogenetic location: 16p13.3.
Variant type: Deletion.
Coding change: c.2966del on transcript NM_001009944.3 (MANE Select); coding-DNA position 2966, one base deleted (C; older notation c.2966delC).
Protein change: p.Ala989fs; shifts the reading frame from alanine 989.
Molecular consequence: frameshift variant.
Genome position (GRCh38, 1-based): chr16:2,113,180, G deleted on the plus strand (C on the coding strand, the reverse complement: PKD1 is on the minus strand). VCF-style (leftmost placement, unchanged base first): chr16-2113179-CG-C. GRCh37 (hg19) VCF-style: chr16-2163180-CG-C.
Other names: c.2966del, p.Ala989fs (NM_000296.4); short protein forms A989fs.
Identifiers: ClinVar variation 4796792 (VCV004796792.1).
Genomic context (GRCh38, chr16:2,113,179, plus strand): 5'-GCCCCGCCCCATCCCCTCCCCTCCCCACCCCCGCCCACCTACTGAGAGCTTGAAGACCGC[CG>C]CGCTCTGATAAATGACATTGAAGACCACGTTCTGGAAGGTCAGGGACTGCTTGTCGTTGA-3'